The following is an entry in ClinVar:

ClinVar aggregate classification (germline): Uncertain significance (1 of 4 stars; one submission).

Conditions:
Inborn genetic diseases. Identifiers: MedGen C0950123, MeSH D030342.

Submission:

Ambry Genetics
Classification: Uncertain significance for Inborn genetic diseases. Last evaluated: 2026-09-03. Review status: criteria provided, single submitter. Criteria: Ambry Variant Classification Scheme 2023. Collection method: clinical testing. Allele origin: germline.
Comment: The p.M431L variant (also known as c.1291A>C), located in coding exon 10 of the FANCG gene, results from an A to C substitution at nucleotide position 1291. The methionine at codon 431 is replaced by leucine, an amino acid with highly similar properties. This amino acid position is conserved. In addition, this alteration is predicted to be tolerated by in silico analysis. Based on the available evidence, the clinical significance of this variant remains unclear.

NM_004629.2(FANCG):c.1291A>C (p.Met431Leu)

Gene: FANCG (FA complementation group G; minus strand). Cytogenetic location: 9p13.3.
Variant type: single nucleotide variant.
Coding change: c.1291A>C on transcript NM_004629.2 (MANE Select); coding-DNA position 1291, A replaced by C.
Protein change: p.Met431Leu; replaces methionine 431 with leucine.
Molecular consequence: missense variant.
Genome position (GRCh38, 1-based): chr9:35,075,607, T>G on the plus strand (A>C on the coding strand, the complement: FANCG is on the minus strand). VCF-style: chr9-35075607-T-G. GRCh37 (hg19) VCF-style: chr9-35075604-T-G.
Other names: short protein forms M431L.
Identifiers: ClinVar variation 5036544 (VCV005036544.1).